The following is an entry in ClinVar:

ClinVar aggregate classification (germline): Uncertain significance (1 of 4 stars; one submission).

Allele frequency attached by ClinVar (database versions not stated): gnomAD exomes below 0.00001; ExAC 0.00001.
gnomAD v4.1: 2 of 1,612,118 alleles (0.00012%); highest among the groups gnomAD compares: Middle Eastern, 0.033%; no homozygotes.

Submission:

Labcorp Genetics (formerly Invitae), Labcorp
Classification: Uncertain significance. Last evaluated: 2023-04-05. Review status: criteria provided, single submitter. Criteria: Invitae Variant Classification Sherloc (09022015). Collection method: clinical testing. Allele origin: germline.
Comment: This sequence change replaces lysine, which is basic and polar, with glutamic acid, which is acidic and polar, at codon 1413 of the TOP2B protein (p.Lys1413Glu). In summary, the available evidence is currently insufficient to determine the role of this variant in disease. Therefore, it has been classified as a Variant of Uncertain Significance. An algorithm developed to predict the effect of missense changes on protein structure and function (PolyPhen-2) suggests that this variant is likely to be tolerated. This variant has not been reported in the literature in individuals affected with TOP2B-related conditions. The frequency data for this variant in the population databases is considered unreliable, as metrics indicate poor data quality at this position in the gnomAD database.

NM_001330700.2(TOP2B):c.4252A>G (p.Lys1418Glu)

Gene: TOP2B (DNA topoisomerase II beta; minus strand). Cytogenetic location: 3p24.2.
Variant type: single nucleotide variant.
Coding change: c.4252A>G on transcript NM_001330700.2 (MANE Select); coding-DNA position 4252, A replaced by G.
Protein change: p.Lys1418Glu; replaces lysine 1418 with glutamic acid.
Molecular consequence: missense variant.
Genome position (GRCh38, 1-based): chr3:25,607,217, T>C on the plus strand (A>G on the coding strand, the complement: TOP2B is on the minus strand). VCF-style: chr3-25607217-T-C. GRCh37 (hg19) VCF-style: chr3-25648708-T-C.
Other names: c.4237A>G, p.Lys1413Glu (NM_001068.3); short protein forms K1418E, K1413E.
Identifiers: ClinVar variation 2806446 (VCV002806446.3), dbSNP rs768083848, ClinGen allele CA2288137.